The following is an entry in ClinVar:

NM_133433.4(NIPBL):c.3304T>G (p.Ser1102Ala)

Gene: NIPBL (NIPBL cohesin loading factor; plus strand). Cytogenetic location: 5p13.2.
Variant type: single nucleotide variant.
Coding change: c.3304T>G on transcript NM_133433.4 (MANE Select); coding-DNA position 3304, T replaced by G.
Protein change: p.Ser1102Ala; replaces serine 1102 with alanine.
Molecular consequence: missense variant.
Genome position (GRCh38, 1-based): chr5:36,995,804, T>G. VCF-style: chr5-36995804-T-G. GRCh37 (hg19) VCF-style: chr5-36995906-T-G.
Other names: c.3304T>G, p.Ser1102Ala (NM_015384.5); short protein forms S1102A.
Identifiers: ClinVar variation 3369750 (VCV003369750.1).

ClinVar aggregate classification (germline): Uncertain significance (1 of 4 stars; one submission).

Submission:

GeneDx
Classification: Uncertain significance. Last evaluated: 2024-02-23. Review status: criteria provided, single submitter. Criteria: GeneDx Variant Classification Process June 2021. Collection method: clinical testing. Allele origin: germline. Affected: yes.
Comment: Not observed at significant frequency in large population cohorts (gnomAD); In silico analysis supports that this missense variant does not alter protein structure/function; Has not been previously published as pathogenic or benign to our knowledge